The following is an entry in ClinVar:

ClinVar aggregate classification (germline): Likely benign. Review status: criteria provided, multiple submitters, no conflicts (2 of 4 stars). 2 submissions from 2 submitters: Likely benign (2). Last evaluated 2026-06-15.

Conditions:
Polyps, multiple and recurrent inflammatory fibroid, gastrointestinal. Identifiers: MedGen C5193005, MONDO:0008285, OMIM 175510.
Gastrointestinal stromal tumor. Also called: Gastrointestinal stromal tumor, somatic; Gastrointestinal stroma tumor. Identifiers: Orphanet 44890, MedGen C0238198, MeSH D046152, MONDO:0011719, OMIM 606764, HP:0100723.

Allele frequency attached by ClinVar (database versions not stated): gnomAD exomes below 0.00001 and 0.00001; gnomAD 0.00002; TOPMed 0.00002.
gnomAD v4.1: 7 of 1,414,924 alleles (0.00049%); highest among the groups gnomAD compares: Admixed American, 0.012%; no homozygotes.

Submissions (2):

Myriad Genetics, Inc.
Classification: Likely benign for Polyps, multiple and recurrent inflammatory fibroid, gastrointestinal. Last evaluated: 2026-06-15. Review status: criteria provided, single submitter. Criteria: Myriad Autosomal Dominant, Autosomal Recessive and X-Linked Classification Criteria (2023). Collection method: clinical testing. Allele origin: unknown.
Comment: This variant is considered likely benign. This variant is intronic and is not expected to impact mRNA splicing.

Labcorp Genetics (formerly Invitae), Labcorp
Classification: Likely benign for Gastrointestinal stromal tumor. Last evaluated: 2026-01-19. Review status: criteria provided, single submitter. Criteria: Invitae Variant Classification Sherloc (09022015). Collection method: clinical testing. Allele origin: germline.

NM_006206.6(PDGFRA):c.2675-20T>C

Gene: PDGFRA (platelet derived growth factor receptor alpha; plus strand). Cytogenetic location: 4q12.
Variant type: single nucleotide variant.
Coding change: c.2675-20T>C on transcript NM_006206.6 (MANE Select); 20 bases into the intron before coding-DNA position 2675, T replaced by C.
Molecular consequence: intron variant.
Genome position (GRCh38, 1-based): chr4:54,288,779, T>C. VCF-style: chr4-54288779-T-C. GRCh37 (hg19) VCF-style: chr4-55154946-T-C.
Other names: c.2750-20T>C (NM_001347828.2); c.2675-20T>C (NM_001347829.2); c.2714-20T>C (NM_001347830.2).
Identifiers: ClinVar variation 1594555 (VCV001594555.9), dbSNP rs1221788070, ClinGen allele CA551371537.